The following is an entry in ClinVar:

ClinVar aggregate classification (germline): Pathogenic. Review status: criteria provided, multiple submitters, no conflicts (2 of 4 stars). 2 submissions from 2 submitters: Pathogenic (2). Last evaluated 2023-05-02.

Conditions:
Familial adenomatous polyposis 1 (FAP1). Also called: FAMILIAL ADENOMATOUS POLYPOSIS 1, ATTENUATED; POLYPOSIS, ADENOMATOUS INTESTINAL. Identifiers: MedGen C2713442, MONDO:0021056, OMIM 175100. Disease mechanism: loss of function.

Submissions (2):

Myriad Genetics, Inc.
Classification: Pathogenic for Familial adenomatous polyposis 1. Last evaluated: 2023-05-02. Review status: criteria provided, single submitter. Criteria: Myriad Autosomal Dominant, Autosomal Recessive and X-Linked Classification Criteria (2023). Collection method: clinical testing. Allele origin: unknown.
Comment: This variant is considered pathogenic. This variant creates a frameshift predicted to result in premature protein truncation.

GeneDx
Classification: Pathogenic. Last evaluated: 2018-04-03. Review status: criteria provided, single submitter. Criteria: GeneDx Variant Classification (06012015). Collection method: clinical testing. Allele origin: germline. Affected: yes.
Comment: This deletion of one nucleotide in APC is denoted c.1652delT at the cDNA level and p.Leu551CysfsX7 (L551CfsX7) at the protein level. The normal sequence, with the base that is deleted in brackets, is AATT[delT]GTCT. The deletion causes a frameshift which changes a Leucine to a Cysteine at codon 551, and creates a premature stop codon at position 7 of the new reading frame. Although this variant has not, to our knowledge, been reported in the literature, it is predicted to cause loss of normal protein function through either protein truncation or nonsense-mediated mRNA decay. We consider this variant to be pathogenic.

NM_000038.6(APC):c.1652del (p.Leu551fs)

Gene: APC (APC regulator of Wnt signaling pathway; plus strand). Cytogenetic location: 5q22.2.
Variant type: Deletion.
Coding change: c.1652del on transcript NM_000038.6 (MANE Select); coding-DNA position 1652, one base deleted (T; older notation c.1652delT).
Protein change: p.Leu551fs; shifts the reading frame from leucine 551.
Molecular consequence: frameshift variant.
Genome position (GRCh38, 1-based): chr5:112,828,881, T deleted; the last of 3 consecutive T bases (chr5:112,828,879-112,828,881); deleting any one gives the same sequence. VCF-style (leftmost placement, unchanged base first): chr5-112828878-AT-A. GRCh37 (hg19) VCF-style: chr5-112164575-AT-A.
Other names: c.1475del, p.Leu492fs (NM_001354901.2); c.1529del, p.Leu510fs (NM_001354900.2); c.1379del, p.Leu460fs (NM_001354902.2); c.1349del, p.Leu450fs (NM_001354903.2); c.1274del, p.Leu425fs (NM_001354904.2); c.1172del, p.Leu391fs (NM_001354905.2); c.803del, p.Leu268fs (NM_001354906.2); c.1652del, p.Leu551fs (NM_001127510.3, NM_001354895.2); and 5 more; short protein forms L523fs, L551fs, L391fs, L450fs, L510fs, L526fs, L561fs, L268fs.
Identifiers: ClinVar variation 545895 (VCV000545895.4), dbSNP rs1554082100, ClinGen allele CA658822393.